The following is an entry in ClinVar:

NM_005219.5(DIAPH1):c.2294T>A (p.Phe765Tyr)

Gene: DIAPH1 (diaphanous related formin 1; minus strand). Cytogenetic location: 5q31.3.
Variant type: single nucleotide variant.
Coding change: c.2294T>A on transcript NM_005219.5 (MANE Select); coding-DNA position 2294, T replaced by A.
Protein change: p.Phe765Tyr; replaces phenylalanine 765 with tyrosine.
Molecular consequence: missense variant.
Genome position (GRCh38, 1-based): chr5:141,573,556, A>T on the plus strand (T>A on the coding strand, the complement: DIAPH1 is on the minus strand). VCF-style: chr5-141573556-A-T. GRCh37 (hg19) VCF-style: chr5-140953123-A-T.
Other names: c.2267T>A, p.Phe756Tyr (NM_001079812.3); c.2294T>A, p.Phe765Tyr (NM_001314007.2); short protein forms F756Y, F765Y.
Identifiers: ClinVar variation 2500544 (VCV002500544.1), dbSNP rs2513738289, ClinGen allele CA361516640.

ClinVar aggregate classification (germline): Uncertain significance (1 of 4 stars; one submission).

Submission:

GeneDx
Classification: Uncertain significance. Last evaluated: 2022-10-28. Review status: criteria provided, single submitter. Criteria: GeneDx Variant Classification Process June 2021. Collection method: clinical testing. Allele origin: germline. Affected: yes.
Comment: Not observed at significant frequency in large population cohorts (gnomAD); In silico analysis supports that this missense variant does not alter protein structure/function; Has not been previously published as pathogenic or benign to our knowledge